The following is an entry in ClinVar:

ClinVar aggregate classification (germline): Uncertain significance (1 of 4 stars; one submission).

Submission:

Labcorp Genetics (formerly Invitae), Labcorp
Classification: Uncertain significance. Last evaluated: 2022-07-05. Review status: criteria provided, single submitter. Criteria: Invitae Variant Classification Sherloc (09022015). Collection method: clinical testing. Allele origin: germline.
Comment: In summary, the available evidence is currently insufficient to determine the role of this variant in disease. Therefore, it has been classified as a Variant of Uncertain Significance. Algorithms developed to predict the effect of missense changes on protein structure and function (SIFT, PolyPhen-2, Align-GVGD) all suggest that this variant is likely to be disruptive. ClinVar contains an entry for this variant (Variation ID: 1388629). This variant has not been reported in the literature in individuals affected with SLC25A12-related conditions. This variant is not present in population databases (gnomAD no frequency). This sequence change replaces threonine, which is neutral and polar, with arginine, which is basic and polar, at codon 544 of the SLC25A12 protein (p.Thr544Arg).

NM_003705.5(SLC25A12):c.1631C>G (p.Thr544Arg)

Gene: SLC25A12 (solute carrier family 25 member 12; minus strand). Cytogenetic location: 2q31.1.
Variant type: single nucleotide variant.
Coding change: c.1631C>G on transcript NM_003705.5 (MANE Select); coding-DNA position 1631, C replaced by G.
Protein change: p.Thr544Arg; replaces threonine 544 with arginine.
Molecular consequence: missense variant. On other transcripts: non-coding transcript variant (1).
Genome position (GRCh38, 1-based): chr2:171,787,902, G>C on the plus strand (C>G on the coding strand, the complement: SLC25A12 is on the minus strand). VCF-style: chr2-171787902-G-C. GRCh37 (hg19) VCF-style: chr2-172644412-G-C.
Other names: short protein forms T544R.
Identifiers: ClinVar variation 1388629 (VCV001388629.6), dbSNP rs2105832837, ClinGen allele CA349288095.